The following is an entry in ClinVar:

NM_023110.3(FGFR1):c.1064G>C (p.Trp355Ser)

Gene: FGFR1 (fibroblast growth factor receptor 1; minus strand). Cytogenetic location: 8p11.23.
Variant type: single nucleotide variant.
Coding change: c.1064G>C on transcript NM_023110.3 (MANE Select); coding-DNA position 1064, G replaced by C.
Protein change: p.Trp355Ser; replaces tryptophan 355 with serine.
Molecular consequence: missense variant.
Genome position (GRCh38, 1-based): chr8:38,421,814, C>G on the plus strand (G>C on the coding strand, the complement: FGFR1 is on the minus strand). VCF-style: chr8-38421814-C-G. GRCh37 (hg19) VCF-style: chr8-38279332-C-G.
Other names: c.1064G>C, p.Trp355Ser (NM_001174063.2); c.1040G>C, p.Trp347Ser (NM_001174064.2); c.1058G>C, p.Trp353Ser (NM_001174065.2, NM_001354367.2, NM_001354369.2 and 1 more transcripts); c.797G>C, p.Trp266Ser (NM_001174066.2, NM_023105.3); c.1157G>C, p.Trp386Ser (NM_001174067.2); c.791G>C, p.Trp264Ser (NM_001354368.2, NM_001354370.2, NM_023106.3); short protein forms W355S, W266S, W353S, W386S, W264S, W347S.
Identifiers: ClinVar variation 579277 (VCV000579277.5), dbSNP rs1563474845, ClinGen allele CA370734104.

ClinVar aggregate classification (germline): Uncertain significance (1 of 4 stars; one submission).

Conditions:
Pfeiffer syndrome (ACS5). Also called: ACS V. Identifiers: Orphanet 710, MedGen C0220658, MONDO:0007043, OMIM 101600.
Hypogonadotropic hypogonadism 2 with or without anosmia (HH2). Also called: HYPOGONADOTROPIC HYPOGONADISM 2 WITHOUT ANOSMIA; HYPOGONADOTROPIC HYPOGONADISM 2 WITH OR WITHOUT ANOSMIA, SUSCEPTIBILITY TO; HYPOGONADOTROPIC HYPOGONADISM 2 WITHOUT ANOSMIA, SUSCEPTIBILITY TO; FGFR1-Related GnRH Deficiency (Kallmann Syndrome 2). Identifiers: Orphanet 478, MedGen C1563720, MONDO:0007844, OMIM 147950. Disease mechanism: loss of function.

Submission:

Labcorp Genetics (formerly Invitae), Labcorp
Classification: Uncertain significance for Pfeiffer syndrome; Hypogonadotropic hypogonadism 2 with or without anosmia. Last evaluated: 2020-04-15. Review status: criteria provided, single submitter. Criteria: Invitae Variant Classification Sherloc (09022015). Collection method: clinical testing. Allele origin: germline.
Comment: In summary, the available evidence is currently insufficient to determine the role of this variant in disease. Therefore, it has been classified as a Variant of Uncertain Significance. Algorithms developed to predict the effect of missense changes on protein structure and function are either unavailable or do not agree on the potential impact of this missense change (SIFT: "Tolerated"; PolyPhen-2: "Probably Damaging"; Align-GVGD: "Class C0"). This variant has not been reported in the literature in individuals with FGFR1-related conditions. ClinVar contains an entry for this variant (Variation ID: 579277). This variant is not present in population databases (ExAC no frequency). This sequence change replaces tryptophan with serine at codon 355 of the FGFR1 protein (p.Trp355Ser). The tryptophan residue is highly conserved and there is a large physicochemical difference between tryptophan and serine.